The following is an entry in ClinVar:

NM_000260.4(MYO7A):c.3748C>T (p.Gln1250Ter)

Gene: MYO7A (myosin VIIA; plus strand). Cytogenetic location: 11q13.5.
Variant type: single nucleotide variant.
Coding change: c.3748C>T on transcript NM_000260.4 (MANE Select); coding-DNA position 3748, C replaced by T.
Protein change: p.Gln1250Ter; replaces glutamine 1250 with a stop codon.
Molecular consequence: nonsense.
Genome position (GRCh38, 1-based): chr11:77,190,137, C>T. VCF-style: chr11-77190137-C-T. GRCh37 (hg19) VCF-style: chr11-76901182-C-T.
Other names: c.3748C>T, p.Gln1250Ter (NM_001127180.2); c.3715C>T, p.Gln1239Ter (NM_001369365.1); short protein forms Q1250*, Q1239*.
Identifiers: ClinVar variation 3646977 (VCV003646977.2).

ClinVar aggregate classification (germline): Pathogenic (1 of 4 stars; one submission).

Submission:

Labcorp Genetics (formerly Invitae), Labcorp
Classification: Pathogenic. Last evaluated: 2024-03-29. Review status: criteria provided, single submitter. Criteria: Invitae Variant Classification Sherloc (09022015). Collection method: clinical testing. Allele origin: germline.
Comment: This sequence change creates a premature translational stop signal (p.Gln1250*) in the MYO7A gene. It is expected to result in an absent or disrupted protein product. Loss-of-function variants in MYO7A are known to be pathogenic (PMID: 8900236, 25404053). This variant is not present in population databases (gnomAD no frequency). This variant has not been reported in the literature in individuals affected with MYO7A-related conditions. Algorithms developed to predict the effect of sequence changes on RNA splicing suggest that this variant may disrupt the consensus splice site. For these reasons, this variant has been classified as Pathogenic.

Literature cited by the submitters: PubMed 8900236; PubMed 25404053.